The following is an entry in ClinVar:

NM_001374259.2(IL12RB2):c.743A>G (p.Asp248Gly)

Gene: IL12RB2 (interleukin 12 receptor subunit beta 2; plus strand). Cytogenetic location: 1p31.3.
Variant type: single nucleotide variant.
Coding change: c.743A>G on transcript NM_001374259.2 (MANE Select); coding-DNA position 743, A replaced by G.
Protein change: p.Asp248Gly; replaces aspartic acid 248 with glycine.
Molecular consequence: missense variant. On other transcripts: non-coding transcript variant (2).
Genome position (GRCh38, 1-based): chr1:67,329,665, A>G. VCF-style: chr1-67329665-A-G. GRCh37 (hg19) VCF-style: chr1-67795348-A-G.
Other names: c.743A>G, p.Asp248Gly (NM_001258214.1, NM_001258215.1, NM_001258216.1 and 2 more transcripts); short protein forms D248G.
Identifiers: ClinVar variation 2825078 (VCV002825078.3), dbSNP rs1657796892, ClinGen allele CA340733792.

ClinVar aggregate classification (germline): Uncertain significance (1 of 4 stars; one submission).

Allele frequency attached by ClinVar (database versions not stated): gnomAD exomes below 0.00001; TOPMed below 0.00001.

Submission:

Labcorp Genetics (formerly Invitae), Labcorp
Classification: Uncertain significance. Last evaluated: 2023-12-20. Review status: criteria provided, single submitter. Criteria: Invitae Variant Classification Sherloc (09022015). Collection method: clinical testing. Allele origin: germline.
Comment: This sequence change replaces aspartic acid, which is acidic and polar, with glycine, which is neutral and non-polar, at codon 248 of the IL12RB2 protein (p.Asp248Gly). This variant is not present in population databases (gnomAD no frequency). This variant has not been reported in the literature in individuals affected with IL12RB2-related conditions. An algorithm developed to predict the effect of missense changes on protein structure and function (PolyPhen-2) suggests that this variant is likely to be tolerated. In summary, the available evidence is currently insufficient to determine the role of this variant in disease. Therefore, it has been classified as a Variant of Uncertain Significance.